The following is an entry in ClinVar:

NM_006031.6(PCNT):c.2859C>T (p.His953=)

Gene: PCNT (pericentrin; plus strand). Cytogenetic location: 21q22.3.
Variant type: single nucleotide variant.
Coding change: c.2859C>T on transcript NM_006031.6 (MANE Select); coding-DNA position 2859, C replaced by T.
Protein change: p.His953=; no amino-acid change (histidine 953 retained).
Molecular consequence: synonymous variant.
Genome position (GRCh38, 1-based): chr21:46,366,833, C>T. VCF-style: chr21-46366833-C-T. GRCh37 (hg19) VCF-style: chr21-47786748-C-T.
Other names: c.2859C>T (NM_006031.5); c.2505C>T, p.His835= (NM_001315529.2).
Identifiers: ClinVar variation 3014672 (VCV003014672.4), dbSNP rs143447540, ClinGen allele CA10079114.

ClinVar aggregate classification (germline): Likely benign. Review status: criteria provided, single submitter (1 of 4 stars). 2 submissions from 2 submitters: Likely benign (1). 1 of the submissions does not count toward it. Last evaluated 2024-08-11.

Conditions:
PCNT-related disorder. Also called: PCNT-related condition.

Allele frequency attached by ClinVar (database versions not stated): TOPMed 0.00004; gnomAD 0.00005; ESP Exome Variant Server 0.00008.
gnomAD v4.1: 35 of 1,613,892 alleles (0.0022%); highest among the groups gnomAD compares: African/African-American, 0.008%; no homozygotes.

Submissions (2):

Labcorp Genetics (formerly Invitae), Labcorp
Classification: Likely benign. Last evaluated: 2024-08-11. Review status: criteria provided, single submitter. Criteria: Invitae Variant Classification Sherloc (09022015). Collection method: clinical testing. Allele origin: germline.

PreventionGenetics, part of Exact Sciences
Classification: Likely benign for PCNT-related condition. Last evaluated: 2024-09-09. Review status: no assertion criteria provided. Collection method: clinical testing. Allele origin: germline. Not counted in ClinVar's aggregate classification.
Comment: This variant is classified as likely benign based on ACMG/AMP sequence variant interpretation guidelines (Richards et al. 2015 PMID: 25741868, with internal and published modifications).